The following is an entry in ClinVar:

NM_005359.6(SMAD4):c.1221C>T (p.Val407=)

Gene: SMAD4 (SMAD family member 4; plus strand). Cytogenetic location: 18q21.2.
Variant type: single nucleotide variant.
Coding change: c.1221C>T on transcript NM_005359.6 (MANE Select); coding-DNA position 1221, C replaced by T.
Protein change: p.Val407=; no amino-acid change (valine 407 retained).
Molecular consequence: synonymous variant. On other transcripts: non-coding transcript variant (1).
Genome position (GRCh38, 1-based): chr18:51,067,100, C>T. VCF-style: chr18-51067100-C-T. GRCh37 (hg19) VCF-style: chr18-48593470-C-T.
Other names: c.1221C>T, p.Val407= (NM_001407041.1, NM_001407042.1).
Identifiers: ClinVar variation 1753211 (VCV001753211.3), dbSNP rs2144452307, ClinGen allele CA503874246.

ClinVar aggregate classification (germline): Benign/Likely benign. Review status: criteria provided, multiple submitters, no conflicts (2 of 4 stars). 2 submissions from 2 submitters: Benign (1); Likely benign (1). Last evaluated 2025-03-21.

Conditions:
Familial thoracic aortic aneurysm and aortic dissection (TAAD). Also called: Thoracic aortic aneurysms and dissections. Identifiers: Orphanet 91387, MedGen C4707243, MONDO:0019625.
Hereditary cancer-predisposing syndrome. Also called: Hereditary neoplastic syndrome; Neoplastic Syndromes, Hereditary; Tumor predisposition; Hereditary Cancer Syndrome. Identifiers: Orphanet 140162, MedGen C0027672, MeSH D009386, MONDO:0015356.
Juvenile polyposis/hereditary hemorrhagic telangiectasia syndrome (JPHT). Also called: JP/HHT SYNDROME; JUVENILE POLYPOSIS WITH HEREDITARY HEMORRHAGIC TELANGIECTASIA; POLYPOSIS, GENERALIZED JUVENILE, WITH PULMONARY ARTERIOVENOUS MALFORMATION; TELANGIECTASIA, HEREDITARY HEMORRHAGIC, WITH JUVENILE POLYPOSIS COLI; Juvenile Polyposis Syndrome / Hereditary Hemorrhagic Telangiectasia (JPS/HHT). Identifiers: Orphanet 2929, MedGen C1832942, MONDO:0008278, OMIM 175050.

Submissions (2):

Myriad Genetics, Inc.
Classification: Benign for Juvenile polyposis/hereditary hemorrhagic telangiectasia syndrome. Last evaluated: 2025-03-21. Review status: criteria provided, single submitter. Criteria: Myriad Autosomal Dominant, Autosomal Recessive and X-Linked Classification Criteria (2023). Collection method: clinical testing. Allele origin: unknown.
Comment: This variant is considered benign. This variant is a silent/synonymous amino acid change and it is not expected to impact splicing.

Ambry Genetics
Classification: Likely benign for Hereditary cancer-predisposing syndrome; Familial thoracic aortic aneurysm and aortic dissection. Last evaluated: 2021-07-23. Review status: criteria provided, single submitter. Criteria: Ambry Variant Classification Scheme 2023. Collection method: clinical testing. Allele origin: germline.